The following is an entry in ClinVar:

ClinVar aggregate classification (germline): Uncertain significance. Review status: criteria provided, multiple submitters, no conflicts (2 of 4 stars). 2 submissions from 2 submitters: Uncertain significance (2). Last evaluated 2025-06-29.

Allele frequency attached by ClinVar (database versions not stated): gnomAD exomes 0.00001 and 0.00002; ExAC 0.00003; gnomAD 0.00003 and 0.00004; 1000 Genomes Project 30x 0.00016; 1000 Genomes Project 0.00020.

Submissions (2):

Labcorp Genetics (formerly Invitae), Labcorp
Classification: Uncertain significance. Last evaluated: 2025-06-29. Review status: criteria provided, single submitter. Criteria: Invitae Variant Classification Sherloc (09022015). Collection method: clinical testing. Allele origin: germline.
Comment: This sequence change replaces proline, which is neutral and non-polar, with leucine, which is neutral and non-polar, at codon 554 of the ZNF408 protein (p.Pro554Leu). This variant is present in population databases (rs555978936, gnomAD 0.01%). This variant has not been reported in the literature in individuals affected with ZNF408-related conditions. ClinVar contains an entry for this variant (Variation ID: 1026827). An algorithm developed to predict the effect of missense changes on protein structure and function (PolyPhen-2) suggests that this variant is likely to be disruptive. In summary, the available evidence is currently insufficient to determine the role of this variant in disease. Therefore, it has been classified as a Variant of Uncertain Significance.

Blueprint Genetics
Classification: Uncertain significance. Last evaluated: 2024-07-01. Review status: criteria provided, single submitter. Criteria: ACMG Guidelines, 2015. Collection method: clinical testing. Allele origin: germline.

NM_024741.3(ZNF408):c.1661C>T (p.Pro554Leu)

Gene: ZNF408 (zinc finger protein 408; plus strand). Cytogenetic location: 11p11.2.
Variant type: single nucleotide variant.
Coding change: c.1661C>T on transcript NM_024741.3 (MANE Select); coding-DNA position 1661, C replaced by T.
Protein change: p.Pro554Leu; replaces proline 554 with leucine.
Molecular consequence: missense variant.
Genome position (GRCh38, 1-based): chr11:46,705,361, C>T. VCF-style: chr11-46705361-C-T. GRCh37 (hg19) VCF-style: chr11-46726911-C-T.
Other names: c.1637C>T, p.Pro546Leu (NM_001184751.2); short protein forms P546L, P554L.
Identifiers: ClinVar variation 1026827 (VCV001026827.13), dbSNP rs555978936, ClinGen allele CA5966620.
Genomic context (GRCh38, chr11:46,705,361, plus strand): 5'-CCCAGCTGCCTGAACTGCGGCGCCATCTCATCTCACACACCGGGGAGGCCCACTTGTGCC[C>T]GGTGTGTGGCAAGGCCCTCCGAGACCCACACACGCTCCGAGCTCACGAGCGCCTGCACTC-3'
Protein context (NP_079017.1, residues 544-564): ISHTGEAHLC[Pro554Leu]VCGKALRDPH